The following is an entry in ClinVar:

ClinVar aggregate classification (germline): Uncertain significance (1 of 4 stars; one submission).

Allele frequency attached by ClinVar (database versions not stated): gnomAD 0.00001.
gnomAD v4.1: 1 of 1,609,176 alleles (0.000062%); highest among the groups gnomAD compares: African/African-American, 0.0013%; no homozygotes.

Submission:

Labcorp Genetics (formerly Invitae), Labcorp
Classification: Uncertain significance. Last evaluated: 2023-10-13. Review status: criteria provided, single submitter. Criteria: Invitae Variant Classification Sherloc (09022015). Collection method: clinical testing. Allele origin: germline.
Comment: This sequence change replaces alanine, which is neutral and non-polar, with threonine, which is neutral and polar, at codon 1125 of the TUBGCP6 protein (p.Ala1125Thr). This variant is not present in population databases (gnomAD no frequency). This variant has not been reported in the literature in individuals affected with TUBGCP6-related conditions. ClinVar contains an entry for this variant (Variation ID: 1053255). Experimental studies and prediction algorithms are not available or were not evaluated, and the functional significance of this variant is currently unknown. In summary, the available evidence is currently insufficient to determine the role of this variant in disease. Therefore, it has been classified as a Variant of Uncertain Significance.

NM_020461.4(TUBGCP6):c.3373G>A (p.Ala1125Thr)

Gene: TUBGCP6 (tubulin gamma complex component 6; minus strand). Cytogenetic location: 22q13.33.
Variant type: single nucleotide variant.
Coding change: c.3373G>A on transcript NM_020461.4 (MANE Select); coding-DNA position 3373, G replaced by A.
Protein change: p.Ala1125Thr; replaces alanine 1125 with threonine.
Molecular consequence: missense variant.
Genome position (GRCh38, 1-based): chr22:50,220,986, C>T on the plus strand (G>A on the coding strand, the complement: TUBGCP6 is on the minus strand). VCF-style: chr22-50220986-C-T. GRCh37 (hg19) VCF-style: chr22-50659415-C-T.
Other names: short protein forms A1125T.
Identifiers: ClinVar variation 1053255 (VCV001053255.10), dbSNP rs1451891030, ClinGen allele CA412183030.